The following is an entry in ClinVar:

NC_000012.12:g.121641476G>A

Gene: ORAI1 (ORAI calcium release-activated calcium modulator 1; plus strand). Cytogenetic location: 12q24.31.
Variant type: single nucleotide variant.
Genome position: GRCh38 VCF-style: chr12-121641476-G-A. GRCh37 (hg19) VCF-style: chr12-122079382-G-A.
Other names: c.739G>A, p.Gly247Ser (NM_032790.4); short protein forms G247S.
Identifiers: ClinVar variation 1374618 (VCV001374618.6), dbSNP rs782169524, ClinGen allele CA6837557.

ClinVar aggregate classification (germline): Uncertain significance (1 of 4 stars; one submission).

Conditions:
Combined immunodeficiency due to ORAI1 deficiency. Also called: IMMUNODEFICIENCY 9. Identifiers: Orphanet 169090, Orphanet 317428, MedGen C2748568, MONDO:0013007, OMIM 612782.
Myopathy, tubular aggregate, 2 (TAM2). Identifiers: MedGen C4014557, MONDO:0014383, OMIM 615883.

Allele frequency attached by ClinVar (database versions not stated): gnomAD 0.00001; gnomAD exomes 0.00002 and 0.00001; TOPMed 0.00002; ExAC 0.00001.

Submission:

Labcorp Genetics (formerly Invitae), Labcorp
Classification: Uncertain significance for Myopathy, tubular aggregate, 2; Combined immunodeficiency due to ORAI1 deficiency. Last evaluated: 2026-01-05. Review status: criteria provided, single submitter. Criteria: Invitae Variant Classification Sherloc (09022015). Collection method: clinical testing. Allele origin: germline.
Comment: This sequence change replaces glycine, which is neutral and non-polar, with serine, which is neutral and polar, at codon 247 of the ORAI1 protein (p.Gly247Ser). This variant is present in population databases (rs782169524, gnomAD 0.01%). This variant has not been reported in the literature in individuals affected with ORAI1-related conditions. ClinVar contains an entry for this variant (Variation ID: 1374618). Algorithms developed to predict the effect of variants on gene product structure and function are not available or were not evaluated for this variant. Experimental studies have shown that this missense change affects ORAI1 function (PMID: 29184031). In summary, the available evidence is currently insufficient to determine the role of this variant in disease. Therefore, it has been classified as a Variant of Uncertain Significance.

Literature cited by the submitters: PubMed 29184031.